The following is an entry in ClinVar:

ClinVar aggregate classification (germline): Uncertain significance (1 of 4 stars; one submission).

Conditions:
Tuberous sclerosis 1 (TSC1). Identifiers: Orphanet 805, MedGen C1854465, MONDO:0008612, OMIM 191100.

Submission:

Labcorp Genetics (formerly Invitae), Labcorp
Classification: Uncertain significance for Tuberous sclerosis 1. Last evaluated: 2024-09-12. Review status: criteria provided, single submitter. Criteria: Invitae Variant Classification Sherloc (09022015). Collection method: clinical testing. Allele origin: germline.
Comment: This sequence change replaces glutamic acid, which is acidic and polar, with glutamine, which is neutral and polar, at codon 846 of the TSC1 protein (p.Glu846Gln). This variant is not present in population databases (gnomAD no frequency). This variant has not been reported in the literature in individuals affected with TSC1-related conditions. Invitae Evidence Modeling of protein sequence and biophysical properties (such as structural, functional, and spatial information, amino acid conservation, physicochemical variation, residue mobility, and thermodynamic stability) indicates that this missense variant is not expected to disrupt TSC1 protein function with a negative predictive value of 95%. In summary, the available evidence is currently insufficient to determine the role of this variant in disease. Therefore, it has been classified as a Variant of Uncertain Significance.

NM_000368.5(TSC1):c.2536G>C (p.Glu846Gln)

Gene: TSC1 (TSC complex subunit 1; minus strand). Cytogenetic location: 9q34.13.
Variant type: single nucleotide variant.
Coding change: c.2536G>C on transcript NM_000368.5 (MANE Select); coding-DNA position 2536, G replaced by C.
Protein change: p.Glu846Gln; replaces glutamic acid 846 with glutamine.
Molecular consequence: missense variant. On other transcripts: non-coding transcript variant (5).
Genome position (GRCh38, 1-based): chr9:132,900,804, C>G on the plus strand (G>C on the coding strand, the complement: TSC1 is on the minus strand). VCF-style: chr9-132900804-C-G. GRCh37 (hg19) VCF-style: chr9-135776191-C-G.
Other names: c.2173G>C, p.Glu725Gln (NM_001406617.1, NM_001406618.1, NM_001406619.1 and 4 more transcripts); c.2170G>C, p.Glu724Gln (NM_001406620.1, NM_001406621.1, NM_001406622.1 and 1 more transcripts); c.2131G>C, p.Glu711Gln (NM_001406624.1); c.2128G>C, p.Glu710Gln (NM_001406625.1); c.1585G>C, p.Glu529Gln (NM_001406626.1); c.1582G>C, p.Glu528Gln (NM_001406627.1, NM_001406628.1); c.1483G>C, p.Glu495Gln (NM_001406629.1, NM_001406630.1); c.2533G>C, p.Glu845Gln (NM_001162426.2, NM_001406597.1, NM_001406598.1 and 2 more transcripts); and 8 more; short protein forms E529Q, E795Q, E845Q, E528Q, E710Q, E780Q, E794Q, E832Q.
Identifiers: ClinVar variation 3710911 (VCV003710911.2).
Genomic context (GRCh38, chr9:132,900,804, plus strand): 5'-GTTGTTCCAAATAGAGCTCGTTGACCTCCCCAAGAACCAACAGCTGCCTGTTCAAGAACT[C>G]CATCTGCTGCTGGACCGACTCACTGTTTGAGAGCTAACCAAAAAACATGAGCAAAGTGAA-3'
Protein context (NP_000359.1, residues 836-856): SNSESVQQQM[Glu846Gln]FLNRQLLVLG